The following is an entry in ClinVar:

ClinVar aggregate classification (germline): Uncertain significance. Review status: criteria provided, multiple submitters, no conflicts (2 of 4 stars). 2 submissions from 2 submitters: Uncertain significance (2). Last evaluated 2025-09-03.

Conditions:
Emery-Dreifuss muscular dystrophy 5, autosomal dominant (EDMD5). Also called: EMERY-DREIFUSS MUSCULAR DYSTROPHY 5. Identifiers: Orphanet 261, MedGen C2751805, MONDO:0013072, OMIM 612999.

Allele frequency attached by ClinVar (database versions not stated): ExAC 0.00001; gnomAD exomes 0.00001; TOPMed 0.00001; ESP Exome Variant Server 0.00008.
gnomAD v4.1: 11 of 1,612,804 alleles (0.00068%); highest among the groups gnomAD compares: Non-Finnish European, 0.00068%; no homozygotes.

Submissions (2):

Labcorp Genetics (formerly Invitae), Labcorp
Classification: Uncertain significance for Emery-Dreifuss muscular dystrophy 5, autosomal dominant. Last evaluated: 2025-09-03. Review status: criteria provided, single submitter. Criteria: Invitae Variant Classification Sherloc (09022015). Collection method: clinical testing. Allele origin: germline.
Comment: This sequence change replaces proline, which is neutral and non-polar, with leucine, which is neutral and non-polar, at codon 460 of the SYNE2 protein (p.Pro460Leu). This variant is present in population databases (rs374622057, gnomAD 0.0009%). This variant has not been reported in the literature in individuals affected with SYNE2-related conditions. ClinVar contains an entry for this variant (Variation ID: 2140024). An algorithm developed to predict the effect of missense changes on protein structure and function (PolyPhen-2) suggests that this variant is likely to be tolerated. In summary, the available evidence is currently insufficient to determine the role of this variant in disease. Therefore, it has been classified as a Variant of Uncertain Significance.

Revvity Omics, Revvity
Classification: Uncertain significance for Emery-Dreifuss muscular dystrophy 5, autosomal dominant. Last evaluated: 2024-01-16. Review status: criteria provided, single submitter. Criteria: ACMG Guidelines, 2015. Collection method: clinical testing. Allele origin: germline.

NM_182914.3(SYNE2):c.1379C>T (p.Pro460Leu)

Gene: SYNE2 (spectrin repeat containing nuclear envelope protein 2; plus strand). Cytogenetic location: 14q23.2.
Variant type: single nucleotide variant.
Coding change: c.1379C>T on transcript NM_182914.3 (MANE Select); coding-DNA position 1379, C replaced by T.
Protein change: p.Pro460Leu; replaces proline 460 with leucine.
Molecular consequence: missense variant.
Genome position (GRCh38, 1-based): chr14:63,977,990, C>T. VCF-style: chr14-63977990-C-T. GRCh37 (hg19) VCF-style: chr14-64444708-C-T.
Other names: c.1379C>T, p.Pro460Leu (NM_015180.6); c.1379C>T (NM_182914.2); short protein forms P460L.
Identifiers: ClinVar variation 2140024 (VCV002140024.5), dbSNP rs374622057, ClinGen allele CA7219418.